The following is an entry in ClinVar:

ClinVar aggregate classification (germline): Uncertain significance. Review status: criteria provided, multiple submitters, no conflicts (2 of 4 stars). 2 submissions from 2 submitters: Uncertain significance (2). Last evaluated 2026-04-15.

Conditions:
BBS12-related disorder. Also called: BBS12-related condition.
Bardet-Biedl syndrome (BBS). Identifiers: Orphanet 110, MedGen C0752166, MONDO:0015229.

Allele frequency attached by ClinVar (database versions not stated): gnomAD exomes below 0.00001 and 0.00001; ExAC 0.00002; TOPMed 0.00002.

Submissions (2):

PreventionGenetics, part of Exact Sciences
Classification: Uncertain significance for BBS12-related condition. Last evaluated: 2026-04-15. Review status: criteria provided, single submitter. Criteria: ACMG Guidelines, 2015. Collection method: clinical testing. Allele origin: germline.
Comment: The BBS12 c.1686C>A variant is predicted to result in the amino acid substitution p.Asn562Lys. To our knowledge, this variant has not been reported in the literature. This variant is reported in 0.0029% of alleles in individuals of Latino descent in gnomAD. At this time, the clinical significance of this variant is uncertain due to the absence of conclusive functional and genetic evidence.

Labcorp Genetics (formerly Invitae), Labcorp
Classification: Uncertain significance for Bardet-Biedl syndrome. Last evaluated: 2022-04-16. Review status: criteria provided, single submitter. Criteria: Invitae Variant Classification Sherloc (09022015). Collection method: clinical testing. Allele origin: germline.
Comment: This sequence change replaces asparagine, which is neutral and polar, with lysine, which is basic and polar, at codon 562 of the BBS12 protein (p.Asn562Lys). This variant is present in population databases (rs778686947, gnomAD 0.003%). This variant has not been reported in the literature in individuals affected with BBS12-related conditions. Algorithms developed to predict the effect of missense changes on protein structure and function (SIFT, PolyPhen-2, Align-GVGD) all suggest that this variant is likely to be tolerated. In summary, the available evidence is currently insufficient to determine the role of this variant in disease. Therefore, it has been classified as a Variant of Uncertain Significance.

NM_152618.3(BBS12):c.1686C>A (p.Asn562Lys)

Gene: BBS12 (Bardet-Biedl syndrome 12; plus strand). Cytogenetic location: 4q27.
Variant type: single nucleotide variant.
Coding change: c.1686C>A on transcript NM_152618.3 (MANE Select); coding-DNA position 1686, C replaced by A.
Protein change: p.Asn562Lys; replaces asparagine 562 with lysine.
Molecular consequence: missense variant.
Genome position (GRCh38, 1-based): chr4:122,743,578, C>A. VCF-style: chr4-122743578-C-A. GRCh37 (hg19) VCF-style: chr4-123664733-C-A.
Other names: c.1686C>A (NM_152618.2); c.1686C>A, p.Asn562Lys (NM_001178007.2); short protein forms N562K.
Identifiers: ClinVar variation 1418272 (VCV001418272.6), dbSNP rs778686947, ClinGen allele CA3069489.